The following is an entry in ClinVar:

NM_001174147.2(LMX1B):c.344G>A (p.Cys115Tyr)

Gene: LMX1B (LIM homeobox transcription factor 1 beta; plus strand). Cytogenetic location: 9q33.3.
Variant type: single nucleotide variant.
Coding change: c.344G>A on transcript NM_001174147.2 (MANE Select); coding-DNA position 344, G replaced by A.
Protein change: p.Cys115Tyr; replaces cysteine 115 with tyrosine.
Molecular consequence: missense variant.
Genome position (GRCh38, 1-based): chr9:126,690,853, G>A. VCF-style: chr9-126690853-G-A. GRCh37 (hg19) VCF-style: chr9-129453132-G-A.
Other names: c.344G>A, p.Cys115Tyr (NM_001174146.2, NM_002316.4); short protein forms C115Y.
Identifiers: ClinVar variation 4741478 (VCV004741478.1).

ClinVar aggregate classification (germline): Uncertain significance (1 of 4 stars; one submission).

Submission:

Labcorp Genetics (formerly Invitae), Labcorp
Classification: Uncertain significance. Last evaluated: 2025-03-20. Review status: criteria provided, single submitter. Criteria: Invitae Variant Classification Sherloc (09022015). Collection method: clinical testing. Allele origin: germline.
Comment: This sequence change replaces cysteine, which is neutral and slightly polar, with tyrosine, which is neutral and polar, at codon 115 of the LMX1B protein (p.Cys115Tyr). This variant is not present in population databases (gnomAD no frequency). This missense change has been observed in individual(s) with nail-patella syndrome (internal data). Invitae Evidence Modeling of protein sequence and biophysical properties (such as structural, functional, and spatial information, amino acid conservation, physicochemical variation, residue mobility, and thermodynamic stability) indicates that this missense variant is expected to disrupt LMX1B protein function with a positive predictive value of 80%. This variant disrupts the p.Cys115 amino acid residue in LMX1B. Other variant(s) that disrupt this residue have been observed in individuals with LMX1B-related conditions (PMID: 15498463), which suggests that this may be a clinically significant amino acid residue. In summary, the available evidence is currently insufficient to determine the role of this variant in disease. Therefore, it has been classified as a Variant of Uncertain Significance.

Literature cited by the submitters: PubMed 15498463.